The following is an entry in ClinVar:

ClinVar aggregate classification (germline): Uncertain significance (1 of 4 stars; one submission).

Conditions:
Familial idiopathic hypercalciuria (HCA2). Also called: Hypercalciuria, absorptive, susceptibility to; Hypercalciuria, absorptive, 2. Identifiers: MedGen C0342639, MONDO:0007748, OMIM 143870.

Submission:

MVZ Medizinische Genetik Mainz
Classification: Uncertain significance for Familial idiopathic hypercalciuria. Last evaluated: 2026-06-03. Review status: criteria provided, single submitter. Criteria: UK Practice Guidelines For Variant Classification V4 01 2020. Collection method: clinical testing. Allele origin: germline. Inheritance: Autosomal dominant inheritance. Affected: yes. Observed: 1 variant allele.
Comment: ACMG Criteria: PVS1_STR,PM2_SUP

NM_018417.6(ADCY10):c.4133dup (p.Tyr1379fs)

Gene: ADCY10 (adenylate cyclase 10; minus strand). Cytogenetic location: 1q24.2.
Variant type: Duplication.
Coding change: c.4133dup on transcript NM_018417.6 (MANE Select); coding-DNA position 4133, one base duplicated (T; older notation c.4133dupT).
Protein change: p.Tyr1379fs; shifts the reading frame from tyrosine 1379.
Molecular consequence: frameshift variant.
Genome position (GRCh38, 1-based): chr1:167,823,043, A duplicated on the plus strand (T on the coding strand, the reverse complement: ADCY10 is on the minus strand); the first of 5 consecutive A bases (chr1:167,823,043-167,823,047); duplicating any one gives the same sequence. VCF-style (leftmost placement, unchanged base first): chr1-167823042-G-GA. GRCh37 (hg19) VCF-style: chr1-167792280-G-GA.
Other names: c.3674dup, p.Tyr1226fs (NM_001167749.3); c.3857dup, p.Tyr1287fs (NM_001297772.2); short protein forms Y1226fs, Y1287fs, Y1379fs.
Identifiers: ClinVar variation 5038115 (VCV005038115.1).